The following is an entry in ClinVar:

ClinVar aggregate classification (germline): Uncertain significance. Review status: criteria provided, single submitter (1 of 4 stars). 2 submissions from 2 submitters: Uncertain significance (1). 1 of the submissions does not count toward it. Last evaluated 2024-02-11.

Conditions:
Alobar holoprosencephaly. Identifiers: Orphanet 93925, MedGen C0431363, MONDO:0019757, HP:0006988.

Allele frequency attached by ClinVar (database versions not stated): gnomAD 0.00001 and 0.00009; gnomAD exomes 0.00002 and 0.00003; ExAC 0.00003; TOPMed 0.00007.

Submissions (2):

Labcorp Genetics (formerly Invitae), Labcorp
Classification: Uncertain significance. Last evaluated: 2024-02-11. Review status: criteria provided, single submitter. Criteria: Invitae Variant Classification Sherloc (09022015). Collection method: clinical testing. Allele origin: germline.
Comment: This sequence change replaces serine, which is neutral and polar, with leucine, which is neutral and non-polar, at codon 706 of the DLL1 protein (p.Ser706Leu). This variant is present in population databases (rs760189276, gnomAD 0.006%). This variant has not been reported in the literature in individuals affected with DLL1-related conditions. ClinVar contains an entry for this variant (Variation ID: 235090). An algorithm developed to predict the effect of missense changes on protein structure and function (PolyPhen-2) suggests that this variant is likely to be disruptive. In summary, the available evidence is currently insufficient to determine the role of this variant in disease. Therefore, it has been classified as a Variant of Uncertain Significance.

Laboratory of Molecular Genetics, CHU Rennes
Classification: Uncertain significance for alobar holoprosencephaly. Last evaluated: 2016-04-13. Review status: no assertion criteria provided. Collection method: clinical testing. Allele origin: paternal. Affected: yes. Not counted in ClinVar's aggregate classification.

NM_005618.4(DLL1):c.2117C>T (p.Ser706Leu)

Genes: DLL1 (delta like canonical Notch ligand 1; minus strand), LOC126859913 (P300/CBP strongly-dependent group 1 enhancer GRCh37_chr6:170591232-170592431; plus strand). Cytogenetic location: 6q27.
Variant type: single nucleotide variant.
Coding change: c.2117C>T on transcript NM_005618.4 (MANE Select); coding-DNA position 2117, C replaced by T.
Protein change: p.Ser706Leu; replaces serine 706 with leucine.
Molecular consequence: missense variant.
Genome position (GRCh38, 1-based): chr6:170,283,037, G>A on the plus strand (C>T on the coding strand, the complement: DLL1 is on the minus strand). VCF-style: chr6-170283037-G-A. GRCh37 (hg19) VCF-style: chr6-170592125-G-A.
Other names: short protein forms S706L.
Identifiers: ClinVar variation 235090 (VCV000235090.5), dbSNP rs760189276, ClinGen allele CA4106612.
Genomic context (GRCh38, chr6:170,283,037, plus strand): 5'-CCTGCACTGACCTCAGTTGCTATGACGCACTCATCCTTCTCCTCGGATATGACGTACACC[G>A]ACTGGTACTTGGTGTCTTTTGAAGTTGAACAGCCCGAGTCCGGCCTTTTTCTTTCAGATG-3'
Protein context (NP_005609.3, residues 696-716): CSTSKDTKYQ[Ser706Leu]VYVISEEKDE